The following is an entry in ClinVar:

NM_000069.3(CACNA1S):c.1763A>G (p.Glu588Gly)

Gene: CACNA1S (calcium voltage-gated channel subunit alpha1 S; minus strand). Cytogenetic location: 1q32.1.
Variant type: single nucleotide variant.
Coding change: c.1763A>G on transcript NM_000069.3 (MANE Select); coding-DNA position 1763, A replaced by G.
Protein change: p.Glu588Gly; replaces glutamic acid 588 with glycine.
Molecular consequence: missense variant.
Genome position (GRCh38, 1-based): chr1:201,076,984, T>C on the plus strand (A>G on the coding strand, the complement: CACNA1S is on the minus strand). VCF-style: chr1-201076984-T-C. GRCh37 (hg19) VCF-style: chr1-201046112-T-C.
Other names: short protein forms E588G.
Identifiers: ClinVar variation 5008331 (VCV005008331.1).

ClinVar aggregate classification (germline): Uncertain significance (1 of 4 stars; one submission).

Submission:

GeneDx
Classification: Uncertain significance. Last evaluated: 2026-03-01. Review status: criteria provided, single submitter. Criteria: GeneDx Variant Classification Process June 2021. Collection method: clinical testing. Allele origin: germline.
Comment: Not observed at significant frequency in large population cohorts (gnomAD); In silico analysis supports that this missense variant has a deleterious effect on protein structure/function; Has not been previously published as pathogenic or benign to our knowledge